The following is an entry in ClinVar:

NM_006265.3(RAD21):c.1349G>A (p.Arg450His)

Gene: RAD21 (RAD21 cohesin complex component; minus strand). Cytogenetic location: 8q24.11.
Variant type: single nucleotide variant.
Coding change: c.1349G>A on transcript NM_006265.3 (MANE Select); coding-DNA position 1349, G replaced by A.
Protein change: p.Arg450His; replaces arginine 450 with histidine.
Molecular consequence: missense variant.
Genome position (GRCh38, 1-based): chr8:116,852,069, C>T on the plus strand (G>A on the coding strand, the complement: RAD21 is on the minus strand). VCF-style: chr8-116852069-C-T. GRCh37 (hg19) VCF-style: chr8-117864308-C-T.
Other names: short protein forms R450H.
Identifiers: ClinVar variation 430294 (VCV000430294.15), dbSNP rs1051321465, ClinGen allele CA184265269.

ClinVar aggregate classification (germline): Conflicting classifications of pathogenicity. Review status: criteria provided, conflicting classifications (1 of 4 stars). 4 submissions from 4 submitters: Uncertain significance (1); Likely benign (3). Last evaluated 2026-01-12.

Conditions:
Inborn genetic diseases. Identifiers: MedGen C0950123, MeSH D030342.
Cornelia de Lange syndrome 4 (CDLS4). Also called: CORNELIA DE LANGE SYNDROME 4 WITH OR WITHOUT MIDLINE BRAIN DEFECTS; RAD21-Related Cornelia de Lange Syndrome. Identifiers: Orphanet 199, MedGen C3553517, MONDO:0013864, OMIM 614701.

Allele frequency attached by ClinVar (database versions not stated): gnomAD 0.00001; gnomAD exomes 0.00002 and 0.00003; TOPMed 0.00003.
gnomAD v4.1: 11 of 1,608,560 alleles (0.00068%); highest among the groups gnomAD compares: Admixed American, 0.017%; no homozygotes.

Submissions (4):

Labcorp Genetics (formerly Invitae), Labcorp
Classification: Likely benign for Cornelia de Lange syndrome 4. Last evaluated: 2026-01-12. Review status: criteria provided, single submitter. Criteria: Invitae Variant Classification Sherloc (09022015). Collection method: clinical testing. Allele origin: germline.

Ambry Genetics
Classification: Likely benign for Inborn genetic diseases. Last evaluated: 2019-11-13. Review status: criteria provided, single submitter. Criteria: Ambry Variant Classification Scheme 2023. Collection method: clinical testing. Allele origin: germline.

GeneDx
Classification: Likely benign. Last evaluated: 2018-12-06. Review status: criteria provided, single submitter. Criteria: GeneDx Variant Classification Process June 2021. Collection method: clinical testing. Allele origin: germline. Affected: yes.
Comment: In silico analysis, which includes protein predictors and evolutionary conservation, supports that this variant does not alter protein structure/function; Has not been previously published as pathogenic or benign to our knowledge

Geisinger Autism and Developmental Medicine Institute, Geisinger Health System
Classification: Uncertain significance for Cornelia de Lange syndrome 4. Last evaluated: 2017-05-26. Review status: criteria provided, single submitter. Criteria: ACMG Guidelines, 2015. Collection method: provider interpretation, clinical testing. Allele origin: unknown. Observed: 1 variant allele.
Comment: Inheritance is unknown, as is paternal family history. The variant is absent from population databases and has not been reported in any individuals with Cornelia de Lange syndrome, to our knowledge. Computational prediction models are inconsistent.

Literature cited by the submitters: PubMed 31173765 (cited by Ambry Genetics).